The following is an entry in ClinVar:

NM_022552.5(DNMT3A):c.2657del (p.Gln886fs)

Gene: DNMT3A (DNA methyltransferase 3 alpha; minus strand). Cytogenetic location: 2p23.3.
Variant type: Deletion.
Coding change: c.2657del on transcript NM_022552.5 (MANE Select); coding-DNA position 2657, one base deleted (A; older notation c.2657delA).
Protein change: p.Gln886fs; shifts the reading frame from glutamine 886.
Molecular consequence: frameshift variant. On other transcripts: non-coding transcript variant (1).
Genome position (GRCh38, 1-based): chr2:25,234,361, T deleted on the plus strand (A on the coding strand, the reverse complement: DNMT3A is on the minus strand). VCF-style (leftmost placement, unchanged base first): chr2-25234360-CT-C. GRCh37 (hg19) VCF-style: chr2-25457229-CT-C.
Other names: c.2201del, p.Gln734fs (NM_001320893.1); c.1988del, p.Gln663fs (NM_001375819.1); c.2090del, p.Gln697fs (NM_153759.3); c.2657del, p.Gln886fs (NM_175629.2); c.2657delA (NM_175629.2); short protein forms Q886fs, Q663fs, Q697fs, Q734fs.
Identifiers: ClinVar variation 817711 (VCV000817711.1), dbSNP rs1573291900, ClinGen allele CA915943704.

ClinVar aggregate classification (germline): Likely pathogenic (1 of 4 stars; one submission).

Submission:

GeneDx
Classification: Likely pathogenic. Last evaluated: 2018-06-29. Review status: criteria provided, single submitter. Criteria: GeneDx Variant Classification (06012015). Collection method: clinical testing. Allele origin: germline. Affected: yes.
Comment: A variant that is likely pathogenic has been identified in the DNMT3A gene. The c.2657delA variant has not been published as a pathogenic variant, nor has it been reported as a benign variant to our knowledge. The c.2657delA variant causes a frameshift starting with codon Glutamine 886, changes this amino acid to an Arginine residue, and creates a premature Stop codon at position 20 of the new reading frame, denoted p.Gln886ArgfsX20. This frameshift variant is predicted to result in protein truncation as the last 27 amino acids are lost and replaced with 19 incorrect amino acids. The c.2657delA variant is not observed in large population cohorts (Lek et al., 2016). Therefore, this variant is likely pathogenic; however, the possibility that it is benign cannot be excluded.